The following is an entry in ClinVar:

NC_000023.10:g.(?_17393861)_(18671684_?)del

Genes: SCML2 (Scm polycomb group protein like 2; minus strand), BEND2 (BEN domain containing 2; minus strand), CDKL5 (cyclin dependent kinase like 5; plus strand), NHS (NHS actin remodeling regulator; plus strand), RAI2 (retinoic acid induced 2; minus strand) and 2 more. Cytogenetic location: Xp22.13.
Variant type: Deletion.
Identifiers: ClinVar variation 584356 (VCV000584356.3).

ClinVar aggregate classification (germline): Pathogenic (1 of 4 stars; one submission).

Conditions:
Angelman syndrome-like. Identifiers: MedGen CN128785.
Developmental and epileptic encephalopathy, 2 (DEE2). Also called: INFANTILE SPASM SYNDROME, X-LINKED 2; CDKL5 deficiency disorder. Identifiers: Orphanet 1934, Orphanet 3451, Orphanet 505652, MedGen C4750718, MONDO:0010396, OMIM 300672.

Submission:

Labcorp Genetics (formerly Invitae), Labcorp
Classification: Pathogenic for Developmental and epileptic encephalopathy, 2; Angelman syndrome-like. Last evaluated: 2022-08-31. Review status: criteria provided, single submitter. Criteria: Invitae Variant Classification Sherloc (09022015). Collection method: clinical testing. Allele origin: germline.
Comment: A gross deletion of the genomic region encompassing the full coding sequence of the CDKL5 gene has been identified. Loss-of-function variants in CDKL5 are known to be pathogenic (PMID: 22872100). The boundaries of this event are unknown as they extend beyond the assayed region for this gene and therefore may encompass additional genes. A similar copy number variant has been observed in individual(s) with epileptic encephalopathy and/or intellectual disability (PMID: 19780792, 21770923, 23184456). For these reasons, this variant has been classified as Pathogenic.

Literature cited by the submitters: PubMed 22872100; PubMed 19780792; PubMed 21770923; PubMed 23184456.